The following is an entry in ClinVar:

NM_005445.4(SMC3):c.970-8G>A

Gene: SMC3 (structural maintenance of chromosomes 3; plus strand). Cytogenetic location: 10q25.2.
Variant type: single nucleotide variant.
Coding change: c.970-8G>A on transcript NM_005445.4 (MANE Select); 8 bases into the intron before coding-DNA position 970, G replaced by A.
Molecular consequence: intron variant.
Genome position (GRCh38, 1-based): chr10:110,583,833, G>A. VCF-style: chr10-110583833-G-A. GRCh37 (hg19) VCF-style: chr10-112343591-G-A.
Identifiers: ClinVar variation 159992 (VCV000159992.20), dbSNP rs11195199, ClinGen allele CA173534.

ClinVar aggregate classification (germline): Benign. Review status: criteria provided, multiple submitters, no conflicts (2 of 4 stars). 7 submissions from 7 submitters: Benign (7). Last evaluated 2026-02-03.

Conditions:
Cornelia de Lange syndrome 3 (CDLS3). Also called: SMC3-Related Cornelia de Lange Syndrome; CORNELIA DE LANGE SYNDROME 3 WITH OR WITHOUT MIDLINE BRAIN DEFECTS. Identifiers: Orphanet 199, MedGen C1853099, MONDO:0012555, OMIM 610759.

Allele frequency attached by ClinVar (database versions not stated): ESP Exome Variant Server 0.09731; gnomAD 0.11151 and 0.11702; gnomAD exomes 0.11488 and 0.15063; TOPMed 0.11932; 1000 Genomes Project 0.14816; 1000 Genomes Project 30x 0.14866; ExAC 0.14900.
gnomAD v4.1: 185,494 of 1,608,740 alleles (12%); highest among the groups gnomAD compares: East Asian, 29%; 12,725 homozygotes.

Submissions (7):

Labcorp Genetics (formerly Invitae), Labcorp
Classification: Benign for Cornelia de Lange syndrome 3. Last evaluated: 2026-02-03. Review status: criteria provided, single submitter. Criteria: Invitae Variant Classification Sherloc (09022015). Collection method: clinical testing. Allele origin: germline.

Blueprint Genetics
Classification: Benign. Last evaluated: 2024-11-27. Review status: criteria provided, single submitter. Criteria: ACMG Guidelines, 2015. Collection method: clinical testing. Allele origin: germline.

Illumina Laboratory Services, Illumina
Classification: Benign for Cornelia de Lange syndrome 3. Last evaluated: 2018-01-13. Review status: criteria provided, single submitter. Criteria: ICSL Variant Classification Criteria 13 December 2019. Collection method: clinical testing. Allele origin: germline.
Comment: This variant was observed in the ICSL laboratory as part of a predisposition screen in an ostensibly healthy population. It had not been previously curated by ICSL or reported in the Human Gene Mutation Database (HGMD: prior to June 1st, 2018), and was therefore a candidate for classification through an automated scoring system. Utilizing variant allele frequency, disease prevalence and penetrance estimates, and inheritance mode, an automated score was calculated to assess if this variant is too frequent to cause the disease. Based on the score and internal cut-off values, a variant classified as benign is not then subjected to further curation. The score for this variant resulted in a classification of benign for this disease.

GeneDx
Classification: Benign. Last evaluated: 2017-04-22. Review status: criteria provided, single submitter. Criteria: GeneDx Variant Classification (06012015). Collection method: clinical testing. Allele origin: germline. Affected: yes.
Comment: This variant is considered likely benign or benign based on one or more of the following criteria: it is a conservative change, it occurs at a poorly conserved position in the protein, it is predicted to be benign by multiple in silico algorithms, and/or has population frequency not consistent with disease.

Genetic Services Laboratory, University of Chicago
Classification: Benign. Last evaluated: 2013-08-15. Review status: criteria provided, single submitter. Criteria: ACMG Guidelines, 2007. Collection method: clinical testing. Allele origin: germline. Inheritance: Autosomal dominant inheritance.

Breakthrough Genomics
Classification: Benign. Review status: criteria provided, single submitter. Criteria: ACMG Guidelines, 2015. Collection method: not provided. Allele origin: germline. Inheritance: Autosomal dominant inheritance. Affected: yes.

PreventionGenetics, part of Exact Sciences
Classification: Benign. Review status: criteria provided, single submitter. Criteria: ACMG Guidelines, 2015. Collection method: clinical testing. Allele origin: germline.